The following is an entry in ClinVar:

NM_005751.5(AKAP9):c.3107C>T (p.Ser1036Phe)

Gene: AKAP9 (A-kinase anchoring protein 9; plus strand). Cytogenetic location: 7q21.2.
Variant type: single nucleotide variant.
Coding change: c.3107C>T on transcript NM_005751.5 (MANE Select); coding-DNA position 3107, C replaced by T.
Protein change: p.Ser1036Phe; replaces serine 1036 with phenylalanine.
Molecular consequence: missense variant.
Genome position (GRCh38, 1-based): chr7:92,003,024, C>T. VCF-style: chr7-92003024-C-T. GRCh37 (hg19) VCF-style: chr7-91632338-C-T.
Other names: c.3107C>T, p.Ser1036Phe (NM_147185.3); short protein forms S1036F.
Identifiers: ClinVar variation 1044760 (VCV001044760.8), dbSNP rs1799356611, ClinGen allele CA368125651.

ClinVar aggregate classification (germline): Uncertain significance (1 of 4 stars; one submission).

Conditions:
Long QT syndrome (LQTS). Identifiers: MedGen C0023976, MeSH D008133, MONDO:0002442. Disease mechanism: loss of function. Inheritance: Various modes of inheritance.

Allele frequency attached by ClinVar (database versions not stated): gnomAD 0.00001.
gnomAD v4.1: 1 of 1,613,180 alleles (0.000062%); highest among the groups gnomAD compares: African/African-American, 0.0013%; no homozygotes.

Submission:

Labcorp Genetics (formerly Invitae), Labcorp
Classification: Uncertain significance for Long QT syndrome. Last evaluated: 2020-03-04. Review status: criteria provided, single submitter. Criteria: Invitae Variant Classification Sherloc (09022015). Collection method: clinical testing. Allele origin: germline.
Comment: This sequence change replaces serine with phenylalanine at codon 1036 of the AKAP9 protein (p.Ser1036Phe). The serine residue is moderately conserved and there is a large physicochemical difference between serine and phenylalanine. Algorithms developed to predict the effect of missense changes on protein structure and function output the following: SIFT: "Deleterious"; PolyPhen-2: "Benign"; Align-GVGD: "Class C0". The phenylalanine amino acid residue is found in multiple mammalian species, suggesting that this missense change does not adversely affect protein function. These predictions have not been confirmed by published functional studies and their clinical significance is uncertain. This variant has not been reported in the literature in individuals with AKAP9-related conditions. This variant is not present in population databases (ExAC no frequency). In summary, the available evidence is currently insufficient to determine the role of this variant in disease. Therefore, it has been classified as a Variant of Uncertain Significance.